The following is an entry in ClinVar:

ClinVar aggregate classification (germline): Benign/Likely benign. Review status: criteria provided, single submitter (1 of 4 stars). 2 submissions from 1 submitter: Benign (1); Likely benign (1). Last evaluated 2018-01-12.

Conditions:
Sacral defect with anterior meningocele. Identifiers: MedGen C1838568, OMIM 600145.
Neural tube defect (NTD). Also called: Neural tube defects. Identifiers: Orphanet 3388, Orphanet 823, MedGen C0027794, MONDO:0018075, HP:0045005.

Allele frequency attached by ClinVar (database versions not stated): gnomAD 0.00061 and 0.00086; TOPMed 0.00110; 1000 Genomes Project 30x 0.00468; 1000 Genomes Project 0.00479.

Submissions (2):

Illumina Laboratory Services, Illumina
Classification: Benign for Sacral defect with anterior meningocele. Last evaluated: 2018-01-12. Review status: criteria provided, single submitter. Criteria: ICSL Variant Classification Criteria 13 December 2019. Collection method: clinical testing. Allele origin: germline.
Comment: This variant was observed in the ICSL laboratory as part of a predisposition screen in an ostensibly healthy population. It had not been previously curated by ICSL or reported in the Human Gene Mutation Database (HGMD: prior to June 1st, 2018), and was therefore a candidate for classification through an automated scoring system. Utilizing variant allele frequency, disease prevalence and penetrance estimates, and inheritance mode, an automated score was calculated to assess if this variant is too frequent to cause the disease. Based on the score and internal cut-off values, a variant classified as benign is not then subjected to further curation. The score for this variant resulted in a classification of benign for this disease.

Illumina Laboratory Services, Illumina
Classification: Likely benign for Neural tube defects, susceptibility to. Last evaluated: 2018-01-12. Review status: criteria provided, single submitter. Criteria: ICSL Variant Classification Criteria 13 December 2019. Collection method: clinical testing. Allele origin: germline.
Comment: This variant was observed in the ICSL laboratory as part of a predisposition screen in an ostensibly healthy population. It had not been previously curated by ICSL or reported in the Human Gene Mutation Database (HGMD: prior to June 1st, 2018), and was therefore a candidate for classification through an automated scoring system. Utilizing variant allele frequency, disease prevalence and penetrance estimates, and inheritance mode, an automated score was calculated to assess if this variant is too frequent to cause the disease. Based on the score and internal cut-off values, a variant classified as likely benign is not then subjected to further curation. The score for this variant resulted in a classification of likely benign for this disease.

NM_138959.3(VANGL1):c.*2187T>C

Gene: VANGL1 (VANGL planar cell polarity protein 1; plus strand). Cytogenetic location: 1p13.1.
Variant type: single nucleotide variant.
Coding change: c.*2187T>C on transcript NM_138959.3 (MANE Select); 2187 bases downstream of the stop codon, T replaced by C.
Molecular consequence: 3 prime UTR variant.
Genome position (GRCh38, 1-based): chr1:115,693,566, T>C. VCF-style: chr1-115693566-T-C. GRCh37 (hg19) VCF-style: chr1-116236187-T-C.
Other names: c.*2187T>C (NM_001172411.2, NM_001172412.2).
Identifiers: ClinVar variation 292049 (VCV000292049.5), dbSNP rs146730302, ClinGen allele CA10607407.
Genomic context (GRCh38, chr1:115,693,566, plus strand): 5'-AGGTTTAAATTAAAGAATTTATTTTCTCTCTCCCCCTTCCTCTTTCTCCCAGTCTTTGCA[T>C]AGGAGAATGTTAGACATTCAGAAATTACTGTTTCTGTTTTAAATTGAGTATTGATTTTTT-3'